The following is an entry in ClinVar:

NM_000426.4(LAMA2):c.8544C>A (p.His2848Gln)

Gene: LAMA2 (laminin subunit alpha 2; plus strand). Cytogenetic location: 6q22.33.
Variant type: single nucleotide variant.
Coding change: c.8544C>A on transcript NM_000426.4 (MANE Select); coding-DNA position 8544, C replaced by A.
Protein change: p.His2848Gln; replaces histidine 2848 with glutamine.
Molecular consequence: missense variant.
Genome position (GRCh38, 1-based): chr6:129,503,277, C>A. VCF-style: chr6-129503277-C-A. GRCh37 (hg19) VCF-style: chr6-129824422-C-A.
Other names: c.8532C>A, p.His2844Gln (NM_001079823.2); short protein forms H2848Q, H2844Q.
Identifiers: ClinVar variation 1913085 (VCV001913085.8), dbSNP rs1196380787, ClinGen allele CA365634500.
Genomic context (GRCh38, chr6:129,503,277, plus strand): 5'-CTTGGGGAGTGGGGACACCCACACCATGATCCCCACCAAAATCAATGATGGCCAGTGGCA[C>A]AAGGTAATAGTCCCCTGGATATTGGCAGTACCCTAAGGGAATTACTGAGTGGCAGCCATC-3'
Protein context (NP_000417.3, residues 2838-2858): IPTKINDGQW[His2848Gln]KIKIMRSKQE

ClinVar aggregate classification (germline): Likely pathogenic. Review status: criteria provided, multiple submitters, no conflicts (2 of 4 stars). 2 submissions from 2 submitters: Likely pathogenic (2). Last evaluated 2025-10-24.

Conditions:
LAMA2-related muscular dystrophy (LAMA2-RD). Also called: Laminin alpha 2-related dystrophy. Identifiers: MedGen C5679788, MONDO:0100228.

Allele frequency attached by ClinVar (database versions not stated): TOPMed below 0.00001.
gnomAD v4.1: 1 of 1,612,842 alleles (0.000062%); highest among the groups gnomAD compares: Non-Finnish European, 0.000085%; no homozygotes.

Submissions (2):

Women's Health and Genetics/Laboratory Corporation of America, LabCorp
Classification: Likely pathogenic for LAMA2-related muscular dystrophy. Last evaluated: 2025-10-24. Review status: criteria provided, single submitter. Criteria: LabCorp Variant Classification Summary - May 2015. Collection method: clinical testing. Allele origin: germline.
Comment: Variant summary: LAMA2 c.8544C>A (p.His2848Gln) results in a non-conservative amino acid change located in the Laminin G domain (IPR001791) of the encoded protein sequence. Algorithms developed to predict the effect of missense changes on protein structure and function all suggest that this variant is likely to be disruptive. The variant was absent in 250824 control chromosomes. c.8544C>A has been observed in individual(s) affected with Laminin Alpha 2-Related Dystrophy (internal data). At least one publication reports experimental evidence evaluating an impact on protein function, demonstrating a near total loss of LAMA2 protein expression when this missense change is in trans with a null allele in patient sample(s)(Magri_2020). The following publication has been ascertained in the context of this evaluation (PMID: 32904964). ClinVar contains an entry for this variant (Variation ID: 1913085). Based on the evidence outlined above, the variant was classified as likely pathogenic.

Labcorp Genetics (formerly Invitae), Labcorp
Classification: Likely pathogenic for LAMA2-related muscular dystrophy. Last evaluated: 2022-11-01. Review status: criteria provided, single submitter. Criteria: Invitae Variant Classification Sherloc (09022015). Collection method: clinical testing. Allele origin: germline.
Comment: Advanced modeling of protein sequence and biophysical properties (such as structural, functional, and spatial information, amino acid conservation, physicochemical variation, residue mobility, and thermodynamic stability) performed at Invitae indicates that this missense variant is not expected to disrupt LAMA2 protein function. This sequence change replaces histidine, which is basic and polar, with glutamine, which is neutral and polar, at codon 2848 of the LAMA2 protein (p.His2848Gln). This variant is not present in population databases (gnomAD no frequency). This missense change has been observed in individual(s) with clinical features of limb-girdle muscular dystrophy (PMID: 32904964; Invitae). In at least one individual the data is consistent with being in trans (on the opposite chromosome) from a pathogenic variant. In summary, the currently available evidence indicates that the variant is pathogenic, but additional data are needed to prove that conclusively. Therefore, this variant has been classified as Likely Pathogenic.

Literature cited by the submitters: PubMed 32904964 (cited by Women's Health and Genetics/Laboratory Corporation of America, LabCorp and Labcorp Genetics (formerly Invitae), Labcorp).